The following is an entry in ClinVar:

NM_030948.6(PHACTR1):c.241C>A (p.Leu81Met)

Gene: PHACTR1 (phosphatase and actin regulator 1; plus strand). Cytogenetic location: 6p24.1.
Variant type: single nucleotide variant.
Coding change: c.241C>A on transcript NM_030948.6 (MANE Select); coding-DNA position 241, C replaced by A.
Protein change: p.Leu81Met; replaces leucine 81 with methionine.
Molecular consequence: missense variant.
Genome position (GRCh38, 1-based): chr6:12,749,781, C>A. VCF-style: chr6-12749781-C-A. GRCh37 (hg19) VCF-style: chr6-12750013-C-A.
Other names: c.241C>A, p.Leu81Met (NM_001242648.4, NM_001322308.3, NM_001322309.3 and 4 more transcripts); short protein forms L81M.
Identifiers: ClinVar variation 2633348 (VCV002633348.1), dbSNP rs200383533, ClinGen allele CA362857759.

ClinVar aggregate classification (germline): Uncertain significance (1 of 4 stars; one submission).

Conditions:
PHACTR1-related disorder. Also called: PHACTR1-related condition.

Submission:

PreventionGenetics, part of Exact Sciences
Classification: Uncertain significance for PHACTR1-related condition. Last evaluated: 2023-05-12. Review status: criteria provided, single submitter. Criteria: ACMG Guidelines, 2015. Collection method: clinical testing. Allele origin: germline.
Comment: The PHACTR1 c.241C>A variant is predicted to result in the amino acid substitution p.Leu81Met. To our knowledge, this variant has not been reported in the literature or in a large population database, indicating this variant is rare. At this time, the clinical significance of this variant is uncertain due to the absence of conclusive functional and genetic evidence.